The following is an entry in ClinVar:

ClinVar aggregate classification (germline): Uncertain significance (1 of 4 stars; one submission).

gnomAD v4.1: 1 of 1,614,186 alleles (0.000062%); highest among the groups gnomAD compares: Non-Finnish European, 0.000085%; no homozygotes.

Submission:

Women's Health and Genetics/Laboratory Corporation of America, LabCorp
Classification: Uncertain significance. Last evaluated: 2024-06-28. Review status: criteria provided, single submitter. Criteria: LabCorp Variant Classification Summary - May 2015. Collection method: clinical testing. Allele origin: germline.
Comment: Variant summary: WAC c.1502C>T (p.Ala501Val) results in a non-conservative amino acid change in the encoded protein sequence. Three of five in-silico tools predict a benign effect of the variant on protein function. The variant was absent in 251460 control chromosomes. The available data on variant occurrences in the general population are insufficient to allow any conclusion about variant significance. To our knowledge, no occurrence of c.1502C>T in individuals affected with Desanto-Shinawi Syndrome and no experimental evidence demonstrating its impact on protein function have been reported. No submitters have cited clinical-significance assessments for this variant to ClinVar. Based on the evidence outlined above, the variant was classified as uncertain significance.

NM_016628.5(WAC):c.1502C>T (p.Ala501Val)

Gene: WAC (WW domain containing adaptor with coiled-coil; plus strand). Cytogenetic location: 10p12.1.
Variant type: single nucleotide variant.
Coding change: c.1502C>T on transcript NM_016628.5 (MANE Select); coding-DNA position 1502, C replaced by T.
Protein change: p.Ala501Val; replaces alanine 501 with valine.
Molecular consequence: missense variant.
Genome position (GRCh38, 1-based): chr10:28,614,631, C>T. VCF-style: chr10-28614631-C-T. GRCh37 (hg19) VCF-style: chr10-28903560-C-T.
Other names: c.1367C>T, p.Ala456Val (NM_100264.3); c.1193C>T, p.Ala398Val (NM_100486.4); short protein forms A398V, A456V, A501V.
Identifiers: ClinVar variation 3339857 (VCV003339857.1).